The following is an entry in ClinVar:

ClinVar aggregate classification (germline): Uncertain significance (1 of 4 stars; one submission).

Conditions:
Inborn genetic diseases. Identifiers: MedGen C0950123, MeSH D030342.

Allele frequency attached by ClinVar (database versions not stated): gnomAD exomes below 0.00001.
gnomAD v4.1: 2 of 1,608,690 alleles (0.00012%); highest among the groups gnomAD compares: Non-Finnish European, 0.00017%; no homozygotes.

Submission:

Ambry Genetics
Classification: Uncertain significance for Inborn genetic diseases. Last evaluated: 2022-08-28. Review status: criteria provided, single submitter. Criteria: Ambry Variant Classification Scheme 2023. Collection method: clinical testing. Allele origin: germline.
Comment: The p.I1753T variant (also known as c.5258T>C), located in coding exon 30 of the ATR gene, results from a T to C substitution at nucleotide position 5258. The isoleucine at codon 1753 is replaced by threonine, an amino acid with similar properties. This amino acid position is conserved. In addition, the in silico prediction for this alteration is inconclusive. Since supporting evidence is limited at this time, the clinical significance of this alteration remains unclear.

NM_001184.4(ATR):c.5258T>C (p.Ile1753Thr)

Gene: ATR (ATR checkpoint kinase; minus strand). Cytogenetic location: 3q23.
Variant type: single nucleotide variant.
Coding change: c.5258T>C on transcript NM_001184.4 (MANE Select); coding-DNA position 5258, T replaced by C.
Protein change: p.Ile1753Thr; replaces isoleucine 1753 with threonine.
Molecular consequence: missense variant.
Genome position (GRCh38, 1-based): chr3:142,503,392, A>G on the plus strand (T>C on the coding strand, the complement: ATR is on the minus strand). VCF-style: chr3-142503392-A-G. GRCh37 (hg19) VCF-style: chr3-142222234-A-G.
Other names: c.5066T>C, p.Ile1689Thr (NM_001354579.2); short protein forms I1753T, I1689T.
Identifiers: ClinVar variation 1746396 (VCV001746396.2), dbSNP rs1487028888, ClinGen allele CA354818367.
Genomic context (GRCh38, chr3:142,503,392, plus strand): 5'-ACAAAAGAAAATCATTTTATAAAATATTACCTGTTAGCATGCACTCCATTCACCTGAGTG[A>G]TAACAGTAGACAGCTGACCAAGACCTAACATGGACTTTACTACACCATGATAATGAATGA-3'
Protein context (NP_001175.2, residues 1743-1763): MLGLGQLSTV[Ile1753Thr]TQVNGVHANR